The following is an entry in ClinVar:

ClinVar aggregate classification (germline): Uncertain significance. Review status: criteria provided, multiple submitters, no conflicts (2 of 4 stars). 2 submissions from 2 submitters: Uncertain significance (2). Last evaluated 2024-03-01.

Allele frequency attached by ClinVar (database versions not stated): gnomAD 0.00001; TOPMed 0.00001.

Submissions (2):

CeGaT Center for Human Genetics Tuebingen
Classification: Uncertain significance. Last evaluated: 2024-03-01. Review status: criteria provided, single submitter. Criteria: CeGaT Center For Human Genetics Tuebingen Variant Classification Criteria Version 2. Collection method: clinical testing. Allele origin: germline. Affected: yes. Observed: 1 variant allele.
Comment: DCHS1: PM2, BP4

Labcorp Genetics (formerly Invitae), Labcorp
Classification: Uncertain significance. Last evaluated: 2023-06-24. Review status: criteria provided, single submitter. Criteria: Invitae Variant Classification Sherloc (09022015). Collection method: clinical testing. Allele origin: germline.
Comment: In summary, the available evidence is currently insufficient to determine the role of this variant in disease. Therefore, it has been classified as a Variant of Uncertain Significance. Advanced modeling of protein sequence and biophysical properties (such as structural, functional, and spatial information, amino acid conservation, physicochemical variation, residue mobility, and thermodynamic stability) performed at Invitae indicates that this missense variant is not expected to disrupt DCHS1 protein function. This variant has not been reported in the literature in individuals affected with DCHS1-related conditions. This variant is present in population databases (no rsID available, gnomAD 0.007%). This sequence change replaces serine, which is neutral and polar, with glycine, which is neutral and non-polar, at codon 1655 of the DCHS1 protein (p.Ser1655Gly).

NM_003737.4(DCHS1):c.4963A>G (p.Ser1655Gly)

Gene: DCHS1 (dachsous cadherin-related 1; minus strand). Cytogenetic location: 11p15.4.
Variant type: single nucleotide variant.
Coding change: c.4963A>G on transcript NM_003737.4 (MANE Select); coding-DNA position 4963, A replaced by G.
Protein change: p.Ser1655Gly; replaces serine 1655 with glycine.
Molecular consequence: missense variant.
Genome position (GRCh38, 1-based): chr11:6,629,744, T>C on the plus strand (A>G on the coding strand, the complement: DCHS1 is on the minus strand). VCF-style: chr11-6629744-T-C. GRCh37 (hg19) VCF-style: chr11-6650975-T-C.
Other names: short protein forms S1655G.
Identifiers: ClinVar variation 2889334 (VCV002889334.24), dbSNP rs1173484430, ClinGen allele CA379398180.
Genomic context (GRCh38, chr11:6,629,744, plus strand): 5'-CGGTTGCTCGCAGGGTGAGCAGAGATGTGCCAGGAGGGTTGTTCTCACGCAAGAGGACGC[T>C]GTACTCCTGCTGCTGGAAAGTAGGCGCCTCGTCGTTGACGTCAGCGACACTGACGGTCAG-3'
Protein context (NP_003728.1, residues 1645-1665): EAPTFQQQEY[Ser1655Gly]VLLRENNPPG